The following is an entry in ClinVar:

NM_000180.4(GUCY2D):c.392C>T (p.Ala131Val)

Gene: GUCY2D (guanylate cyclase 2D, retinal; plus strand). Cytogenetic location: 17p13.1.
Variant type: single nucleotide variant.
Coding change: c.392C>T on transcript NM_000180.4 (MANE Select); coding-DNA position 392, C replaced by T.
Protein change: p.Ala131Val; replaces alanine 131 with valine.
Molecular consequence: missense variant.
Genome position (GRCh38, 1-based): chr17:8,003,439, C>T. VCF-style: chr17-8003439-C-T. GRCh37 (hg19) VCF-style: chr17-7906757-C-T.
Other names: short protein forms A131V.
Identifiers: ClinVar variation 3774043 (VCV003774043.1).

ClinVar aggregate classification (germline): Uncertain significance (1 of 4 stars; one submission).

Submission:

GeneDx
Classification: Uncertain significance. Last evaluated: 2024-09-18. Review status: criteria provided, single submitter. Criteria: GeneDx Variant Classification Process June 2021. Collection method: clinical testing. Allele origin: germline. Affected: yes.
Comment: Not observed at significant frequency in large population cohorts (gnomAD); In silico analysis supports that this missense variant has a deleterious effect on protein structure/function; Has not been previously published as pathogenic or benign to our knowledge